The following is an entry in ClinVar:

ClinVar aggregate classification (germline): Likely benign (1 of 4 stars; one submission).

Conditions:
Hypomaturation-hypoplastic amelogenesis imperfecta with taurodontism. Also called: Amelogenesis imperfecta, type IV. Identifiers: Orphanet 100034, Orphanet 88661, MedGen C1863012, MONDO:0007093, OMIM 104510. Disease mechanism: loss of function.

Allele frequency attached by ClinVar (database versions not stated): gnomAD below 0.00001 and 0.00003; TOPMed 0.00002; gnomAD exomes 0.00003 and 0.00005; ExAC 0.00009; 1000 Genomes Project 30x 0.00016; 1000 Genomes Project 0.00020.
gnomAD v4.1: 41 of 1,611,294 alleles (0.0025%); highest among the groups gnomAD compares: Middle Eastern, 0.05%; 2 homozygotes.

Submission:

Illumina Laboratory Services, Illumina
Classification: Likely benign for Hypomaturation-hypoplastic amelogenesis imperfecta with taurodontism. Last evaluated: 2018-01-13. Review status: criteria provided, single submitter. Criteria: ICSL Variant Classification Criteria 13 December 2019. Collection method: clinical testing. Allele origin: germline.
Comment: This variant was observed in the ICSL laboratory as part of a predisposition screen in an ostensibly healthy population. It had not been previously curated by ICSL or reported in the Human Gene Mutation Database (HGMD: prior to June 1st, 2018), and was therefore a candidate for classification through an automated scoring system. Utilizing variant allele frequency, disease prevalence and penetrance estimates, and inheritance mode, an automated score was calculated to assess if this variant is too frequent to cause the disease. Based on the score and internal cut-off values, a variant classified as likely benign is not then subjected to further curation. The score for this variant resulted in a classification of likely benign for this disease.

NM_005220.3(DLX3):c.465G>A (p.Ala155=)

Gene: DLX3 (distal-less homeobox 3; minus strand). Cytogenetic location: 17q21.33.
Variant type: single nucleotide variant.
Coding change: c.465G>A on transcript NM_005220.3 (MANE Select); coding-DNA position 465, G replaced by A.
Protein change: p.Ala155=; no amino-acid change (alanine 155 retained).
Molecular consequence: synonymous variant.
Genome position (GRCh38, 1-based): chr17:49,993,451, C>T on the plus strand (G>A on the coding strand, the complement: DLX3 is on the minus strand). VCF-style: chr17-49993451-C-T. GRCh37 (hg19) VCF-style: chr17-48070815-C-T.
Identifiers: ClinVar variation 324024 (VCV000324024.5), dbSNP rs534788536, ClinGen allele CA8641023.